The following is an entry in ClinVar:

NM_004415.4(DSP):c.8043C>G (p.Asp2681Glu)

Gene: DSP (desmoplakin; plus strand). Cytogenetic location: 6p24.3.
Variant type: single nucleotide variant.
Coding change: c.8043C>G on transcript NM_004415.4 (MANE Select); coding-DNA position 8043, C replaced by G.
Protein change: p.Asp2681Glu; replaces aspartic acid 2681 with glutamic acid.
Molecular consequence: missense variant.
Genome position (GRCh38, 1-based): chr6:7,585,305, C>G. VCF-style: chr6-7585305-C-G. GRCh37 (hg19) VCF-style: chr6-7585538-C-G.
Other names: c.6246C>G, p.Asp2082Glu (NM_001008844.3); c.6714C>G, p.Asp2238Glu (NM_001319034.2); short protein forms D2082E, D2238E, D2681E.
Identifiers: ClinVar variation 3074562 (VCV003074562.1), dbSNP rs2533949259, ClinGen allele CA362694314.
Genomic context (GRCh38, chr6:7,585,305, plus strand): 5'-CCACCCAACCACGGGCCAGAAGCTGTCACTTCAGGACGCAGTCTCCCAGGGTGTGATTGA[C>G]CAAGACATGGCCACCAGGCTGAAGCCTGCTCAGAAAGCCTTCATAGGCTTCGAGGGTGTG-3'
Protein context (NP_004406.2, residues 2671-2691): LQDAVSQGVI[Asp2681Glu]QDMATRLKPA

ClinVar aggregate classification (germline): Uncertain significance (1 of 4 stars; one submission).

Conditions:
Arrhythmogenic cardiomyopathy with wooly hair and keratoderma. Also called: PALMOPLANTAR KERATODERMA WITH LEFT VENTRICULAR CARDIOMYOPATHY AND WOOLLY HAIR; Carvajal syndrome; Dilated cardiomyopathy with woolly hair and keratoderma; Arrhythmogenic cardiomyopathy with woolly hair and keratoderma. Identifiers: Orphanet 65282, MedGen C1854063, MONDO:0011581, OMIM 605676.

Allele frequency attached by ClinVar (database versions not stated): gnomAD exomes below 0.00001.
gnomAD v4.1: 1 of 1,614,146 alleles (0.000062%); highest among the groups gnomAD compares: Non-Finnish European, 0.000085%; no homozygotes.

Submission:

All of Us Research Program, National Institutes of Health
Classification: Uncertain significance for Arrhythmogenic cardiomyopathy with wooly hair and keratoderma. Last evaluated: 2023-11-20. Review status: criteria provided, single submitter. Criteria: ACMG Guidelines, 2015. Collection method: clinical testing. Allele origin: germline. Inheritance: Autosomal dominant inheritance. Observed: 1 variant allele, 1 heterozygote.
Comment: This missense variant replaces aspartic acid with glutamic acid at codon 2681 of the DSP protein. Computational prediction is inconclusive regarding the impact of this variant on protein structure and function (internally defined REVEL score threshold 0.5 < inconclusive < 0.7, PMID: 27666373). To our knowledge, functional studies have not been reported for this variant. This variant has not been reported in individuals affected with DSP-related disorders in the literature. This variant has not been identified in the general population by the Genome Aggregation Database (gnomAD). The available evidence is insufficient to determine the role of this variant in disease conclusively. Therefore, this variant is classified as a Variant of Uncertain Significance.

This study involves interpretation of variants in research participants for the purpose of population health screening. Participant phenotype was not available at the time of variant classification. Additional details can be found in publication PMID: 35346344, PMCID: PMC8962531